The following is an entry in ClinVar:

ClinVar aggregate classification (germline): Uncertain significance (1 of 4 stars; one submission).

gnomAD v4.1: 12 of 1,614,068 alleles (0.00074%); highest among the groups gnomAD compares: East Asian, 0.022%; no homozygotes.

Submission:

Labcorp Genetics (formerly Invitae), Labcorp
Classification: Uncertain significance. Last evaluated: 2024-08-28. Review status: criteria provided, single submitter. Criteria: Invitae Variant Classification Sherloc (09022015). Collection method: clinical testing. Allele origin: germline.
Comment: This sequence change replaces glycine, which is neutral and non-polar, with cysteine, which is neutral and slightly polar, at codon 1114 of the NLRP1 protein (p.Gly1114Cys). This variant is present in population databases (rs757904290, gnomAD 0.06%). This variant has not been reported in the literature in individuals affected with NLRP1-related conditions. An algorithm developed to predict the effect of missense changes on protein structure and function (PolyPhen-2) suggests that this variant is likely to be disruptive. In summary, the available evidence is currently insufficient to determine the role of this variant in disease. Therefore, it has been classified as a Variant of Uncertain Significance.

NM_033004.4(NLRP1):c.3340G>T (p.Gly1114Cys)

Gene: NLRP1 (NLR family pyrin domain containing 1; minus strand). Cytogenetic location: 17p13.2.
Variant type: single nucleotide variant.
Coding change: c.3340G>T on transcript NM_033004.4 (MANE Select); coding-DNA position 3340, G replaced by T.
Protein change: p.Gly1114Cys; replaces glycine 1114 with cysteine.
Molecular consequence: missense variant.
Genome position (GRCh38, 1-based): chr17:5,530,661, C>A on the plus strand (G>T on the coding strand, the complement: NLRP1 is on the minus strand). VCF-style: chr17-5530661-C-A. GRCh37 (hg19) VCF-style: chr17-5433981-C-A.
Other names: c.3352G>T, p.Gly1118Cys (NM_001033053.3); c.3340G>T, p.Gly1114Cys (NM_014922.5); c.3250G>T, p.Gly1084Cys (NM_033006.4, NM_033007.4); short protein forms G1114C, G1084C, G1118C.
Identifiers: ClinVar variation 3719238 (VCV003719238.2).